The following is an entry in ClinVar:

NM_000038.6(APC):c.4247G>A (p.Gly1416Asp)

Gene: APC (APC regulator of Wnt signaling pathway; plus strand). Cytogenetic location: 5q22.2.
Variant type: single nucleotide variant.
Coding change: c.4247G>A on transcript NM_000038.6 (MANE Select); coding-DNA position 4247, G replaced by A.
Protein change: p.Gly1416Asp; replaces glycine 1416 with aspartic acid.
Molecular consequence: missense variant.
Genome position (GRCh38, 1-based): chr5:112,839,841, G>A. VCF-style: chr5-112839841-G-A. GRCh37 (hg19) VCF-style: chr5-112175538-G-A.
Other names: c.4301G>A, p.Gly1434Asp (NM_001354896.2); c.4277G>A, p.Gly1426Asp (NM_001354897.2); c.4070G>A, p.Gly1357Asp (NM_001354901.2); c.3974G>A, p.Gly1325Asp (NM_001354902.2); c.3944G>A, p.Gly1315Asp (NM_001354903.2); c.3869G>A, p.Gly1290Asp (NM_001354904.2); c.3767G>A, p.Gly1256Asp (NM_001354905.2); c.3398G>A, p.Gly1133Asp (NM_001354906.2); and 5 more; short protein forms G1398D, G1416D, G1290D, G1133D, G1315D, G1357D, G1388D, G1391D.
Identifiers: ClinVar variation 141919 (VCV000141919.11), dbSNP rs587782112, ClinGen allele CA009388.

ClinVar aggregate classification (germline): Uncertain significance. Review status: criteria provided, multiple submitters, no conflicts (2 of 4 stars). 2 submissions from 2 submitters: Uncertain significance (2). Last evaluated 2025-11-23.

Conditions:
Hereditary cancer-predisposing syndrome. Also called: Neoplastic Syndromes, Hereditary; Tumor predisposition; Hereditary Cancer Syndrome; Hereditary neoplastic syndrome. Identifiers: Orphanet 140162, MedGen C0027672, MeSH D009386, MONDO:0015356.
Familial adenomatous polyposis 1 (FAP1). Also called: FAMILIAL ADENOMATOUS POLYPOSIS 1, ATTENUATED; POLYPOSIS, ADENOMATOUS INTESTINAL. Identifiers: MedGen C2713442, MONDO:0021056, OMIM 175100. Disease mechanism: loss of function.

Allele frequency attached by ClinVar (database versions not stated): gnomAD exomes below 0.00001.

Submissions (2):

Ambry Genetics
Classification: Uncertain significance for Hereditary cancer-predisposing syndrome. Last evaluated: 2025-11-23. Review status: criteria provided, single submitter. Criteria: Ambry Variant Classification Scheme 2023. Collection method: clinical testing. Allele origin: germline.
Comment: The p.G1416D variant (also known as c.4247G>A), located in coding exon 15 of the APC gene, results from a G to A substitution at nucleotide position 4247. The glycine at codon 1416 is replaced by aspartic acid, an amino acid with similar properties. This amino acid position is highly conserved in available vertebrate species. In addition, in silico predictors for this gene do not accurately predict pathogenicity. Since supporting evidence is limited at this time, the clinical significance of this alteration remains unclear.

Labcorp Genetics (formerly Invitae), Labcorp
Classification: Uncertain significance for Familial adenomatous polyposis 1. Last evaluated: 2025-10-08. Review status: criteria provided, single submitter. Criteria: Invitae Variant Classification Sherloc (09022015). Collection method: clinical testing. Allele origin: germline.
Comment: This sequence change replaces glycine, which is neutral and non-polar, with aspartic acid, which is acidic and polar, at codon 1416 of the APC protein (p.Gly1416Asp). This variant is present in population databases (rs587782112, gnomAD 0.003%). This variant has not been reported in the literature in individuals affected with APC-related conditions. ClinVar contains an entry for this variant (Variation ID: 141919). Invitae Evidence Modeling of protein sequence and biophysical properties (such as structural, functional, and spatial information, amino acid conservation, physicochemical variation, residue mobility, and thermodynamic stability) has been performed for this missense variant. However, the output from this modeling did not meet the statistical confidence thresholds required to predict the impact of this variant on APC protein function. In summary, the available evidence is currently insufficient to determine the role of this variant in disease. Therefore, it has been classified as a Variant of Uncertain Significance.